The following is an entry in ClinVar:

ClinVar aggregate classification (germline): Uncertain significance. Review status: criteria provided, multiple submitters, no conflicts (2 of 4 stars). 2 submissions from 2 submitters: Uncertain significance (2). Last evaluated 2025-08-05.

Conditions:
Primary ciliary dyskinesia. Also called: Ciliary dyskinesia. Identifiers: Orphanet 244, MedGen C0008780, MONDO:0016575, HP:0012265.

Allele frequency attached by ClinVar (database versions not stated): gnomAD 0.00036 and 0.00038; TOPMed 0.00037; ESP Exome Variant Server 0.00038; gnomAD exomes 0.00002 and 0.00006; ExAC 0.00010; 1000 Genomes Project 30x 0.00016; 1000 Genomes Project 0.00020.
gnomAD v4.1: 76 of 1,520,660 alleles (0.005%); highest among the groups gnomAD compares: African/African-American, 0.1%; no homozygotes.

Submissions (2):

Ambry Genetics
Classification: Uncertain significance. Last evaluated: 2025-08-05. Review status: criteria provided, single submitter. Criteria: Ambry Variant Classification Scheme 2023. Collection method: clinical testing. Allele origin: germline.

Labcorp Genetics (formerly Invitae), Labcorp
Classification: Uncertain significance for Primary ciliary dyskinesia. Last evaluated: 2025-01-15. Review status: criteria provided, single submitter. Criteria: Invitae Variant Classification Sherloc (09022015). Collection method: clinical testing. Allele origin: germline.
Comment: This sequence change replaces isoleucine, which is neutral and non-polar, with threonine, which is neutral and polar, at codon 304 of the DNAH8 protein (p.Ile304Thr). This variant is present in population databases (rs138258349, gnomAD 0.08%). This missense change has been observed in individuals with clinical features of primary ciliary dyskinesia (internal data). ClinVar contains an entry for this variant (Variation ID: 664436). Experimental studies and prediction algorithms are not available or were not evaluated, and the functional significance of this variant is currently unknown. In summary, the available evidence is currently insufficient to determine the role of this variant in disease. Therefore, it has been classified as a Variant of Uncertain Significance.

NM_001206927.2(DNAH8):c.911T>C (p.Ile304Thr)

Gene: DNAH8 (dynein axonemal heavy chain 8; plus strand). Cytogenetic location: 6p21.2.
Variant type: single nucleotide variant.
Coding change: c.911T>C on transcript NM_001206927.2 (MANE Select); coding-DNA position 911, T replaced by C.
Protein change: p.Ile304Thr; replaces isoleucine 304 with threonine.
Molecular consequence: missense variant.
Genome position (GRCh38, 1-based): chr6:38,737,215, T>C. VCF-style: chr6-38737215-T-C. GRCh37 (hg19) VCF-style: chr6-38704991-T-C.
Other names: c.260T>C, p.Ile87Thr (NM_001371.4); short protein forms I304T, I87T.
Identifiers: ClinVar variation 664436 (VCV000664436.13), dbSNP rs138258349, ClinGen allele CA3788074.